The following is an entry in ClinVar:

NM_005562.3(LAMC2):c.2634G>A (p.Ala878=)

Gene: LAMC2 (laminin subunit gamma 2; plus strand). Cytogenetic location: 1q25.3.
Variant type: single nucleotide variant.
Coding change: c.2634G>A on transcript NM_005562.3 (MANE Select); coding-DNA position 2634, G replaced by A.
Protein change: p.Ala878=; no amino-acid change (alanine 878 retained).
Molecular consequence: synonymous variant.
Genome position (GRCh38, 1-based): chr1:183,237,384, G>A. VCF-style: chr1-183237384-G-A. GRCh37 (hg19) VCF-style: chr1-183206519-G-A.
Other names: c.2634G>A, p.Ala878= (NM_018891.3).
Identifiers: ClinVar variation 294010 (VCV000294010.43), dbSNP rs148925665, ClinGen allele CA1283015.

ClinVar aggregate classification (germline): Conflicting classifications of pathogenicity. Review status: criteria provided, conflicting classifications (1 of 4 stars). 5 submissions from 5 submitters: Uncertain significance (1); Likely benign (3). 1 of the submissions does not count toward it. Last evaluated 2026-01-25.

Conditions:
LAMC2-related disorder. Also called: LAMC2-related condition.
Junctional epidermolysis bullosa. Identifiers: Orphanet 305, MedGen C0079301, MONDO:0017612.

Allele frequency attached by ClinVar (database versions not stated): gnomAD exomes 0.00021 and 0.00029; ExAC 0.00031; gnomAD 0.00073 and 0.00076; TOPMed 0.00075; 1000 Genomes Project 0.00080; ESP Exome Variant Server 0.00108; 1000 Genomes Project 30x 0.00125.
gnomAD v4.1: 435 of 1,614,110 alleles (0.027%); highest among the groups gnomAD compares: African/African-American, 0.23%; no homozygotes.

Submissions (5):

Labcorp Genetics (formerly Invitae), Labcorp
Classification: Likely benign. Last evaluated: 2026-01-25. Review status: criteria provided, single submitter. Criteria: Invitae Variant Classification Sherloc (09022015). Collection method: clinical testing. Allele origin: germline.

Blueprint Genetics
Classification: Likely benign. Last evaluated: 2024-11-25. Review status: criteria provided, single submitter. Criteria: ACMG Guidelines, 2015. Collection method: clinical testing. Allele origin: germline.

CeGaT Center for Human Genetics Tuebingen
Classification: Likely benign. Last evaluated: 2023-06-01. Review status: criteria provided, single submitter. Criteria: CeGaT Center For Human Genetics Tuebingen Variant Classification Criteria Version 2. Collection method: clinical testing. Allele origin: germline. Affected: yes. Observed: 1 variant allele.
Comment: LAMC2: BP4, BP7

Illumina Laboratory Services, Illumina
Classification: Uncertain significance for Junctional epidermolysis bullosa. Last evaluated: 2018-01-13. Review status: criteria provided, single submitter. Criteria: ICSL Variant Classification Criteria 13 December 2019. Collection method: clinical testing. Allele origin: germline.

PreventionGenetics, part of Exact Sciences
Classification: Likely benign for LAMC2-related condition. Last evaluated: 2024-05-06. Review status: no assertion criteria provided. Collection method: clinical testing. Allele origin: germline. Not counted in ClinVar's aggregate classification.
Comment: This variant is classified as likely benign based on ACMG/AMP sequence variant interpretation guidelines (Richards et al. 2015 PMID: 25741868, with internal and published modifications).